The following is an entry in ClinVar:

NM_004655.4(AXIN2):c.1384C>A (p.Pro462Thr)

Gene: AXIN2 (axin 2; minus strand). Cytogenetic location: 17q24.1.
Variant type: single nucleotide variant.
Coding change: c.1384C>A on transcript NM_004655.4 (MANE Select); coding-DNA position 1384, C replaced by A.
Protein change: p.Pro462Thr; replaces proline 462 with threonine.
Molecular consequence: missense variant.
Genome position (GRCh38, 1-based): chr17:65,537,652, G>T on the plus strand (C>A on the coding strand, the complement: AXIN2 is on the minus strand). VCF-style: chr17-65537652-G-T. GRCh37 (hg19) VCF-style: chr17-63533770-G-T.
Other names: c.1384C>A (LRG_296t1); c.1384C>A, p.Pro462Thr (NM_001363813.1); short protein forms P462T.
Identifiers: ClinVar variation 408848 (VCV000408848.7), dbSNP rs1060502156, ClinGen allele CA16615881.

ClinVar aggregate classification (germline): Uncertain significance (1 of 4 stars; one submission).

Conditions:
Oligodontia-cancer predisposition syndrome. Also called: TOOTH AGENESIS-COLORECTAL CANCER SYNDROME. Identifiers: Orphanet 300576, MedGen C1837750, MONDO:0012075, OMIM 608615. Disease mechanism: loss of function.

Submission:

Labcorp Genetics (formerly Invitae), Labcorp
Classification: Uncertain significance for Oligodontia-cancer predisposition syndrome. Last evaluated: 2016-04-01. Review status: criteria provided, single submitter. Criteria: Invitae Variant Classification Sherloc (09022015). Collection method: clinical testing. Allele origin: germline.
Comment: This sequence change replaces proline with threonine at codon 462 of the AXIN2 protein (p.Pro462Thr). The proline residue is highly conserved and there is a small physicochemical difference between proline and threonine. This variant is not present in population databases (ExAC no frequency) and has not been reported in the literature in individuals with a AXIN2-related disease. In summary, this variant is a novel missense change with uncertain impact on protein function. It has been classified as a Variant of Uncertain Significance. Algorithms developed to predict the effect of missense changes on protein structure and function (SIFT, PolyPhen-2, Align-GVGD) all suggest that this variant is likely to be disruptive, but these predictions have not been confirmed by published functional studies.